The following is an entry in ClinVar:

NM_001258392.3(CLPB):c.1489G>C (p.Asp497His)

Gene: CLPB (ClpB family mitochondrial disaggregase; minus strand). Cytogenetic location: 11q13.4.
Variant type: single nucleotide variant.
Coding change: c.1489G>C on transcript NM_001258392.3 (MANE Select); coding-DNA position 1489, G replaced by C.
Protein change: p.Asp497His; replaces aspartic acid 497 with histidine.
Molecular consequence: missense variant.
Genome position (GRCh38, 1-based): chr11:72,294,691, C>G on the plus strand (G>C on the coding strand, the complement: CLPB is on the minus strand). VCF-style: chr11-72294691-C-G. GRCh37 (hg19) VCF-style: chr11-72005735-C-G.
Other names: c.1402G>C, p.Asp468His (NM_001258393.3); c.1444G>C, p.Asp482His (NM_001258394.3); c.1579G>C, p.Asp527His (NM_030813.6); short protein forms D468H, D497H, D527H, D482H.
Identifiers: ClinVar variation 1345624 (VCV001345624.6), dbSNP rs918777173, ClinGen allele CA381727334.

ClinVar aggregate classification (germline): Uncertain significance (1 of 4 stars; one submission).

Conditions:
3-methylglutaconic aciduria, type VIIB (MGCA7B). Also called: CLPB Deficiency; 3-methylglutaconic aciduria with cataracts, neurologic involvement and neutropenia; 3-methylglutaconic aciduria, type VII, with cataracts, neurologic involvement and neutropenia. Identifiers: Orphanet 445038, MedGen C5676893, MONDO:0014561, OMIM 616271.

Submission:

Labcorp Genetics (formerly Invitae), Labcorp
Classification: Uncertain significance for 3-methylglutaconic aciduria, type VIIB. Last evaluated: 2022-02-09. Review status: criteria provided, single submitter. Criteria: Invitae Variant Classification Sherloc (09022015). Collection method: clinical testing. Allele origin: germline.
Comment: This sequence change replaces aspartic acid, which is acidic and polar, with histidine, which is basic and polar, at codon 527 of the CLPB protein (p.Asp527His). This variant is not present in population databases (gnomAD no frequency). This variant has not been reported in the literature in individuals affected with CLPB-related conditions. Algorithms developed to predict the effect of missense changes on protein structure and function are either unavailable or do not agree on the potential impact of this missense change (SIFT: "Deleterious"; PolyPhen-2: "Possibly Damaging"; Align-GVGD: "Class C0"). In summary, the available evidence is currently insufficient to determine the role of this variant in disease. Therefore, it has been classified as a Variant of Uncertain Significance.